The following is an entry in ClinVar:

ClinVar aggregate classification (germline): Likely pathogenic (1 of 4 stars; one submission).

Conditions:
Niemann-Pick disease, type C1. Also called: NEUROVISCERAL STORAGE DISEASE WITH VERTICAL SUPRANUCLEAR OPHTHALMOPLEGIA; NIEMANN-PICK DISEASE WITH CHOLESTEROL ESTERIFICATION BLOCK; NIEMANN-PICK DISEASE WITHOUT SPHINGOMYELINASE DEFICIENCY; NIEMANN-PICK DISEASE, CHRONIC NEURONOPATHIC FORM; NIEMANN-PICK DISEASE, VARIANT TYPE C1. Identifiers: Orphanet 646, MedGen C3179455, MONDO:0009757, OMIM 257220.

Allele frequency attached by ClinVar (database versions not stated): gnomAD exomes below 0.00001.

Submission:

Labcorp Genetics (formerly Invitae), Labcorp
Classification: Likely pathogenic for Niemann-Pick disease, type C1. Last evaluated: 2019-04-26. Review status: criteria provided, single submitter. Criteria: Invitae Variant Classification Sherloc (09022015). Collection method: clinical testing. Allele origin: germline.
Comment: In summary, the currently available evidence indicates that the variant is pathogenic, but additional data are needed to prove that conclusively. Therefore, this variant has been classified as Likely Pathogenic. Donor and acceptor splice site variants typically lead to a loss of protein function (PMID: 16199547), and loss-of-function variants in NPC1 are known to be pathogenic (PMID: 9211850). Algorithms developed to predict the effect of sequence changes on RNA splicing suggest that this variant may disrupt the consensus splice site, but this prediction has not been confirmed by published transcriptional studies. This variant has not been reported in the literature in individuals with NPC1-related conditions. This variant is not present in population databases (ExAC no frequency). This sequence change affects a donor splice site in intron 20 of the NPC1 gene. It is expected to disrupt RNA splicing and likely results in an absent or disrupted protein product.

Literature cited by the submitters: PubMed 16199547; PubMed 9211850.

NM_000271.5(NPC1):c.3041+2del

Gene: NPC1 (NPC intracellular cholesterol transporter 1; minus strand). Cytogenetic location: 18q11.2.
Variant type: Deletion.
Coding change: c.3041+2del on transcript NM_000271.5 (MANE Select); the canonical splice donor site of the intron after coding-DNA position 3041, one base deleted (T; older notation c.3041+2delT).
Molecular consequence: splice donor variant.
Genome position (GRCh38, 1-based): chr18:23,538,540, A deleted on the plus strand (T on the coding strand, the reverse complement: NPC1 is on the minus strand). VCF-style (leftmost placement, unchanged base first): chr18-23538539-TA-T. GRCh37 (hg19) VCF-style: chr18-21118503-TA-T.
Identifiers: ClinVar variation 947141 (VCV000947141.8), dbSNP rs2058665849, ClinGen allele CA1139665977.